The following is an entry in ClinVar:

ClinVar aggregate classification (germline): Benign/Likely benign. Review status: criteria provided, multiple submitters, no conflicts (2 of 4 stars). 10 submissions from 9 submitters: Benign (7); Likely benign (3). Last evaluated 2026-03-27.

Conditions:
Fibromuscular dysplasia, multifocal. Identifiers: MedGen C5543412, MONDO:0859151, OMIM 619329.
Ehlers-Danlos syndrome, classic type, 1 (EDSCL1). Also called: Ehlers-Danlos Syndrome, Classic Type, COL5A1-Related; EDS I; Ehlers-Danlos syndrome, type 1; EHLERS-DANLOS SYNDROME, GRAVIS TYPE; EHLERS-DANLOS SYNDROME, SEVERE CLASSIC TYPE. Identifiers: MedGen C0268335, MONDO:0019567, OMIM 130000.
Familial thoracic aortic aneurysm and aortic dissection (TAAD). Also called: Thoracic aortic aneurysms and dissections. Identifiers: Orphanet 91387, MedGen C4707243, MONDO:0019625.

Allele frequency attached by ClinVar (database versions not stated): gnomAD 0.00004 and 0.00016; TOPMed 0.00014; gnomAD exomes 0.00040 and 0.00063; ExAC 0.00069; 1000 Genomes Project 0.00160; 1000 Genomes Project 30x 0.00219.
gnomAD v4.1: 602 of 1,613,978 alleles (0.037%); highest among the groups gnomAD compares: South Asian, 0.41%; 12 homozygotes.

Submissions (10):

Molecular Diagnostic Laboratory for Inherited Cardiovascular Disease, Montreal Heart Institute
Classification: Benign. Last evaluated: 2026-03-27. Review status: criteria provided, single submitter. Criteria: ACMG Guidelines, 2015. Collection method: clinical testing. Allele origin: germline. Affected: no.

Labcorp Genetics (formerly Invitae), Labcorp
Classification: Benign for Ehlers-Danlos syndrome, classic type, 1. Last evaluated: 2026-02-01. Review status: criteria provided, single submitter. Criteria: Invitae Variant Classification Sherloc (09022015). Collection method: clinical testing. Allele origin: germline.

Mayo Clinic Laboratories, Mayo Clinic
Classification: Benign. Last evaluated: 2025-02-03. Review status: criteria provided, single submitter. Criteria: ACMG Guidelines, 2015. Collection method: clinical testing. Allele origin: germline. Observed: 1 variant allele.
Comment: BS1, BS2, BP4, BP7

CeGaT Center for Human Genetics Tuebingen
Classification: Likely benign. Last evaluated: 2025-01-01. Review status: criteria provided, single submitter. Criteria: CeGaT Center For Human Genetics Tuebingen Variant Classification Criteria Version 2. Collection method: clinical testing. Allele origin: germline. Affected: yes. Observed: 1 variant allele.
Comment: COL5A1: BP4, BP7

ARUP Laboratories, Molecular Genetics and Genomics, ARUP Laboratories
Classification: Benign. Last evaluated: 2024-05-21. Review status: criteria provided, single submitter. Criteria: ARUP Molecular Germline Variant Investigation Process 2024. Collection method: clinical testing. Allele origin: germline.

Women's Health and Genetics/Laboratory Corporation of America, LabCorp
Classification: Benign. Last evaluated: 2023-08-24. Review status: criteria provided, single submitter. Criteria: LabCorp Variant Classification Summary - May 2015. Collection method: clinical testing. Allele origin: germline.

Genome-Nilou Lab
Classification: Benign for Ehlers-Danlos syndrome, classic type, 1. Last evaluated: 2022-03-15. Review status: criteria provided, single submitter. Criteria: ACMG Guidelines, 2015. Collection method: clinical testing. Allele origin: germline. Affected: no.

Genome-Nilou Lab
Classification: Benign for Fibromuscular dysplasia, multifocal. Last evaluated: 2022-03-15. Review status: criteria provided, single submitter. Criteria: ACMG Guidelines, 2015. Collection method: clinical testing. Allele origin: germline. Affected: no.

GeneDx
Classification: Likely benign. Last evaluated: 2021-02-15. Review status: criteria provided, single submitter. Criteria: GeneDx Variant Classification Process June 2021. Collection method: clinical testing. Allele origin: germline. Affected: yes.

Ambry Genetics
Classification: Likely benign for Familial thoracic aortic aneurysm and aortic dissection. Last evaluated: 2020-07-10. Review status: criteria provided, single submitter. Criteria: Ambry Variant Classification Scheme 2023. Collection method: clinical testing. Allele origin: germline.

NM_000093.5(COL5A1):c.4473C>T (p.Ile1491=)

Genes: COL5A1 (collagen type V alpha 1 chain; plus strand), LOC101448202 (uncharacterized LOC101448202; minus strand). Cytogenetic location: 9q34.3.
Variant type: single nucleotide variant.
Coding change: c.4473C>T on transcript NM_000093.5 (MANE Select); coding-DNA position 4473, C replaced by T.
Protein change: p.Ile1491=; no amino-acid change (isoleucine 1491 retained).
Molecular consequence: synonymous variant. On other transcripts: non-coding transcript variant (1).
Genome position (GRCh38, 1-based): chr9:134,820,142, C>T. VCF-style: chr9-134820142-C-T. GRCh37 (hg19) VCF-style: chr9-137711988-C-T.
Other names: p.Ile1491=; c.4473C>T, p.Ile1491= (NM_001278074.1).
Identifiers: ClinVar variation 516607 (VCV000516607.31), dbSNP rs537768945, ClinGen allele CA5320317.